The following is an entry in ClinVar:

ClinVar aggregate classification (germline): Uncertain significance. Review status: criteria provided, multiple submitters, no conflicts (2 of 4 stars). 2 submissions from 2 submitters: Uncertain significance (2). Last evaluated 2025-12-23.

Conditions:
Noonan syndrome (NS). Also called: Noonan's syndrome. Identifiers: Orphanet 648, MedGen C0028326, MeSH D009634, MONDO:0018997. Disease mechanism: gain of function.

Submissions (2):

Labcorp Genetics (formerly Invitae), Labcorp
Classification: Uncertain significance for Noonan syndrome. Last evaluated: 2025-12-23. Review status: criteria provided, single submitter. Criteria: Invitae Variant Classification Sherloc (09022015). Collection method: clinical testing. Allele origin: germline.
Comment: This sequence change replaces glutamic acid, which is acidic and polar, with lysine, which is basic and polar, at codon 170 of the RRAS protein (p.Glu170Lys). This variant is not present in population databases (gnomAD no frequency). This variant has not been reported in the literature in individuals affected with RRAS-related conditions. ClinVar contains an entry for this variant (Variation ID: 3947812). An algorithm developed to predict the effect of missense changes on protein structure and function (PolyPhen-2) suggests that this variant is likely to be disruptive. In summary, the available evidence is currently insufficient to determine the role of this variant in disease. Therefore, it has been classified as a Variant of Uncertain Significance.

Ambry Genetics
Classification: Uncertain significance. Last evaluated: 2025-05-27. Review status: criteria provided, single submitter. Criteria: Ambry Variant Classification Scheme 2023. Collection method: clinical testing. Allele origin: germline.
Comment: The p.E170K variant (also known as c.508G>A), located in coding exon 5 of the RRAS gene, results from a G to A substitution at nucleotide position 508. The glutamic acid at codon 170 is replaced by lysine, an amino acid with similar properties. This amino acid position is conserved. In addition, this alteration is predicted to be deleterious by in silico analysis. Based on the available evidence, the clinical significance of this variant remains unclear.

NM_006270.5(RRAS):c.508G>A (p.Glu170Lys)

Gene: RRAS (RAS related; minus strand). Cytogenetic location: 19q13.33.
Variant type: single nucleotide variant.
Coding change: c.508G>A on transcript NM_006270.5 (MANE Select); coding-DNA position 508, G replaced by A.
Protein change: p.Glu170Lys; replaces glutamic acid 170 with lysine.
Molecular consequence: missense variant.
Genome position (GRCh38, 1-based): chr19:49,635,798, C>T on the plus strand (G>A on the coding strand, the complement: RRAS is on the minus strand). VCF-style: chr19-49635798-C-T. GRCh37 (hg19) VCF-style: chr19-50139055-C-T.
Other names: short protein forms E170K.
Identifiers: ClinVar variation 3947812 (VCV003947812.2).